The following is an entry in ClinVar:

NM_013382.7(POMT2):c.1254-2A>G

Gene: POMT2 (protein O-mannosyltransferase 2; minus strand). Cytogenetic location: 14q24.3.
Variant type: single nucleotide variant.
Coding change: c.1254-2A>G on transcript NM_013382.7 (MANE Select); the canonical splice acceptor site of the intron before coding-DNA position 1254, A replaced by G.
Molecular consequence: splice acceptor variant.
Genome position (GRCh38, 1-based): chr14:77,286,824, T>C on the plus strand (A>G on the coding strand, the complement: POMT2 is on the minus strand). VCF-style: chr14-77286824-T-C. GRCh37 (hg19) VCF-style: chr14-77753167-T-C.
Identifiers: ClinVar variation 2678036 (VCV002678036.4), dbSNP rs2503203792, ClinGen allele CA390517806.

ClinVar aggregate classification (germline): Likely pathogenic. Review status: criteria provided, multiple submitters, no conflicts (2 of 4 stars). 2 submissions from 2 submitters: Likely pathogenic (2). Last evaluated 2023-07-19.

Conditions:
Muscular dystrophy-dystroglycanopathy (congenital with brain and eye anomalies), type A2. Also called: MUSCULAR DYSTROPHY-DYSTROGLYCANOPATHY (CONGENITAL WITH BRAIN AND EYE ANOMALIES), TYPE A, 2; WALKER-WARBURG SYNDROME OR MUSCLE-EYE-BRAIN DISEASE, POMT2-RELATED. Identifiers: Orphanet 588, Orphanet 899, MedGen C3150411, MONDO:0013154, OMIM 613150.
Muscular dystrophy-dystroglycanopathy (congenital with impaired intellectual development), type B, 2. Also called: MUSCULAR DYSTROPHY, CONGENITAL, POMT2-RELATED; Muscular dystrophy-dystroglycanopathy (congenital with intellectual disability), type B2. Identifiers: MedGen C3150416, MONDO:0013160, OMIM 613156.
Autosomal recessive limb-girdle muscular dystrophy type 2N. Also called: Muscular dystrophy-dystroglycanopathy (limb-girdle), type C, 2; MUSCULAR DYSTROPHY-DYSTROGLYCANOPATHY, LIMB-GIRDLE, POMT2-RELATED. Identifiers: Orphanet 206559, MedGen C3150418, MONDO:0013162, OMIM 613158.

Allele frequency attached by ClinVar (database versions not stated): gnomAD exomes below 0.00001.
gnomAD v4.1: 1 of 1,614,200 alleles (0.000062%); highest among the groups gnomAD compares: Non-Finnish European, 0.000085%; no homozygotes.

Submissions (2):

Labcorp Genetics (formerly Invitae), Labcorp
Classification: Likely pathogenic for Muscular dystrophy-dystroglycanopathy (congenital with impaired intellectual development), type B, 2; Muscular dystrophy-dystroglycanopathy (congenital with brain and eye anomalies), type A2; Autosomal recessive limb-girdle muscular dystrophy type 2N. Last evaluated: 2023-07-19. Review status: criteria provided, single submitter. Criteria: Invitae Variant Classification Sherloc (09022015). Collection method: clinical testing. Allele origin: germline.
Comment: This sequence change affects an acceptor splice site in intron 11 of the POMT2 gene. It is expected to disrupt RNA splicing. Variants that disrupt the donor or acceptor splice site typically lead to a loss of protein function (PMID: 16199547), and loss-of-function variants in POMT2 are known to be pathogenic (PMID: 15894594). This variant is not present in population databases (gnomAD no frequency). This variant has not been reported in the literature in individuals affected with POMT2-related conditions. Algorithms developed to predict the effect of sequence changes on RNA splicing suggest that this variant may disrupt the consensus splice site. In summary, the currently available evidence indicates that the variant is pathogenic, but additional data are needed to prove that conclusively. Therefore, this variant has been classified as Likely Pathogenic.

Baylor Genetics
Classification: Likely pathogenic for Muscular dystrophy-dystroglycanopathy (congenital with brain and eye anomalies), type A2. Last evaluated: 2022-12-08. Review status: criteria provided, single submitter. Criteria: ACMG Guidelines, 2015. Collection method: clinical testing. Allele origin: unknown.

Literature cited by the submitters: PubMed 16199547 (cited by Labcorp Genetics (formerly Invitae), Labcorp); PubMed 15894594 (cited by Labcorp Genetics (formerly Invitae), Labcorp).